The following is an entry in ClinVar:

NM_001142800.2(EYS):c.2234A>G (p.Asn745Ser)

Gene: EYS (EGF-like photoreceptor maintenance factor; minus strand). Cytogenetic location: 6q12.
Variant type: single nucleotide variant.
Coding change: c.2234A>G on transcript NM_001142800.2 (MANE Select); coding-DNA position 2234, A replaced by G.
Protein change: p.Asn745Ser; replaces asparagine 745 with serine.
Molecular consequence: missense variant.
Genome position (GRCh38, 1-based): chr6:64,997,607, T>C on the plus strand (A>G on the coding strand, the complement: EYS is on the minus strand). VCF-style: chr6-64997607-T-C. GRCh37 (hg19) VCF-style: chr6-65707500-T-C.
Other names: c.2234A>G, p.Asn745Ser (NM_001292009.2); short protein forms N745S.
Identifiers: ClinVar variation 194357 (VCV000194357.51), dbSNP rs201652272, ClinGen allele CA240287.
Genomic context (GRCh38, chr6:64,997,607, plus strand): 5'-ACATTTAGGTATATAAAAAGCCAGTGGATACTAACGAGATGCAGGTCTTTGCAGGTAGAA[T>C]TGTGCTCACAGGCATTCAGGATGCAGTCATCAATGTCCTGTTCACATCTTATCCCAACAT-3'
Protein context (NP_001136272.1, residues 735-755): DDCILNACEH[Asn745Ser]STCKDLHLSY

ClinVar aggregate classification (germline): Conflicting classifications of pathogenicity. Review status: criteria provided, conflicting classifications (1 of 4 stars). 15 submissions from 15 submitters: Likely pathogenic (2); Uncertain significance (10); Likely benign (1). 2 of the submissions do not count toward it. Last evaluated 2026-09-14.

Conditions:
EYS-related disorder. Also called: EYS-related condition.
Cone-rod dystrophy. Also called: Cone-rod degeneration; Cone/cone-rod dystrophy. Identifiers: Orphanet 1872, MedGen C4085590, MONDO:0015993, HP:0000548.
Retinitis pigmentosa 25 (RP25). Identifiers: Orphanet 791, MedGen C1864446, MONDO:0011272, OMIM 602772.

Allele frequency attached by ClinVar (database versions not stated): 1000 Genomes Project 30x 0.00031; 1000 Genomes Project 0.00040; ExAC 0.00054; gnomAD 0.00066 and 0.00068; TOPMed 0.00080; gnomAD exomes 0.00083 and 0.00127; ESP Exome Variant Server 0.00088.
gnomAD v4.1: 1,869 of 1,551,278 alleles (0.12%); highest among the groups gnomAD compares: Non-Finnish European, 0.15%; 6 homozygotes.

Submissions (15):

PreventionGenetics, part of Exact Sciences
Classification: Uncertain significance for EYS-related condition. Last evaluated: 2026-09-14. Review status: criteria provided, single submitter. Criteria: ACMG Guidelines, 2015. Collection method: clinical testing. Allele origin: germline.
Comment: The EYS c.2234A>G variant is predicted to result in the amino acid substitution p.Asn745Ser. This variant was reported, along with another missense variant, in an individual with retinal disease (Table S2, Zampaglione et al. 2020. PubMed ID: 32037395). This variant has also been reported in cohort studies of retinal disease, but often in the absence of a second EYS variant or as a third EYS variant in individuals (Audo et al. 2010. PubMed ID: 20333770; Table S12, Diñeiro et al. 2020. PubMed ID: 32483926; Table S1, Weisschuh et al. 2024. PubMed ID: 37734845). This variant is present in 0.15% of alleles in individuals of European (Non-Finnish) descent in gnomAD, including 6 homozygotes in dataset v4.1.0. Although we suspect that this variant may be benign, at this time, the clinical significance of this variant is uncertain due to the absence of conclusive functional and genetic evidence.

Women's Health and Genetics/Laboratory Corporation of America, LabCorp
Classification: Uncertain significance. Last evaluated: 2025-12-12. Review status: criteria provided, single submitter. Criteria: LabCorp Variant Classification Summary - May 2015. Collection method: clinical testing. Allele origin: germline.
Comment: Variant summary: EYS c.2234A>G (p.Asn745Ser) results in a conservative amino acid change located in the EGF-like calcium-binding domain of the encoded protein sequence. Algorithms developed to predict the effect of missense changes on protein structure and function all suggest that this variant is likely to be tolerated. The variant allele was found at a frequency of 0.00083 in 157658 control chromosomes. This frequency is not significantly higher than estimated for disease-causing variants in EYS, allowing no conclusion about variant significance. c.2234A>G has been reported in the literature in individuals affected with Retinitis Pigmentosa, inherited retinal degeneration or inherited optic neuropathy and hereditary vision loss (Audo_2010, Barragan_2010, Dineiro_2020, Rego_2018, Weisschuh_2024, Zampaglione_2022). These report(s) do not provide unequivocal conclusions about association of the variant with Retinitis Pigmentosa. To our knowledge, no experimental evidence demonstrating an impact on protein function has been reported. The following publications have been ascertained in the context of this evaluation (PMID: 20333770, 21069908, 32483926, 30487145, 37734845, 34906470). ClinVar contains an entry for this variant (Variation ID: 194357). Based on the evidence outlined above, the variant was classified as uncertain significance.

Blueprint Genetics
Classification: Uncertain significance. Last evaluated: 2024-11-21. Review status: criteria provided, single submitter. Criteria: ACMG Guidelines, 2015. Collection method: clinical testing. Allele origin: germline.

Baylor Genetics
Classification: Uncertain significance for Retinitis pigmentosa 25. Last evaluated: 2024-06-06. Review status: criteria provided, single submitter. Criteria: ACMG Guidelines, 2015. Collection method: clinical testing. Allele origin: unknown.

GeneDx
Classification: Uncertain significance. Last evaluated: 2023-11-21. Review status: criteria provided, single submitter. Criteria: GeneDx Variant Classification Process June 2021. Collection method: clinical testing. Allele origin: germline. Affected: yes.
Comment: In silico analysis supports that this missense variant does not alter protein structure/function; Observed in at least one homozygous clinically unaffected adult relative of an individual referred for genetic testing at GeneDx; This variant is associated with the following publications: (PMID: 34426522, 20333770, 30755224, 30487145, 21069908, 32037395, 33833316, 31574917, 26659599, 26103963, 28224992, 30937429, 21519034, 32483926)

Department of Pathology and Laboratory Medicine, Sinai Health System
Classification: Uncertain significance for Retinitis pigmentosa 25. Last evaluated: 2023-02-05. Review status: criteria provided, single submitter. Criteria: ACMG Guidelines, 2015. Collection method: research. Allele origin: germline.

Labcorp Genetics (formerly Invitae), Labcorp
Classification: Uncertain significance. Last evaluated: 2022-10-25. Review status: criteria provided, single submitter. Criteria: Invitae Variant Classification Sherloc (09022015). Collection method: clinical testing. Allele origin: germline.
Comment: This sequence change replaces asparagine, which is neutral and polar, with serine, which is neutral and polar, at codon 745 of the EYS protein (p.Asn745Ser). This variant is present in population databases (rs201652272, gnomAD 0.2%), and has an allele count higher than expected for a pathogenic variant. This missense change has been observed in individual(s) with autosomal recessive retinitis pigmentosa, and autosomal recessive cone-rod dystrophy (PMID: 21069908, 26103963). In at least one individual the data is consistent with being in trans (on the opposite chromosome) from a pathogenic variant. It has also been observed to segregate with disease in related individuals. ClinVar contains an entry for this variant (Variation ID: 194357). Algorithms developed to predict the effect of missense changes on protein structure and function output the following: SIFT: "Deleterious"; PolyPhen-2: "Possibly Damaging"; Align-GVGD: "Class C45". The serine amino acid residue is found in multiple mammalian species, which suggests that this missense change does not adversely affect protein function. In summary, the available evidence is currently insufficient to determine the role of this variant in disease. Therefore, it has been classified as a Variant of Uncertain Significance.

MGZ Medical Genetics Center
Classification: Uncertain significance for Retinitis pigmentosa 25. Last evaluated: 2022-08-22. Review status: criteria provided, single submitter. Criteria: ACMG Guidelines, 2015. Collection method: clinical testing. Allele origin: germline. Affected: yes. Observed: 1 variant allele.
Comment: ACMG criteria applied: PM3, PM2_SUP

CeGaT Center for Human Genetics Tuebingen
Classification: Likely benign. Last evaluated: 2022-07-01. Review status: criteria provided, single submitter. Criteria: CeGaT Center For Human Genetics Tuebingen Variant Classification Criteria Version 2. Collection method: clinical testing. Allele origin: germline. Affected: yes. Observed: 1 variant allele.
Comment: EYS: BP4

Ocular Genomics Institute, Massachusetts Eye and Ear
Classification: Likely pathogenic for Retinitis pigmentosa 25. Last evaluated: 2021-04-08. Review status: criteria provided, single submitter. Criteria: ACMG Guidelines, 2015. Collection method: research. Allele origin: germline. Affected: yes.
Comment: Through a review of available evidence we were able to apply the following criteria: PS1, PM2, PM3. Based on this evidence we have classified this variant as Likely Pathogenic.

Institute of Medical Genetics and Applied Genomics, University Hospital Tübingen
Classification: Likely pathogenic. Last evaluated: 2020-10-23. Review status: criteria provided, single submitter. Criteria: ACMG Guidelines, 2015. Collection method: clinical testing. Allele origin: germline. Inheritance: Autosomal recessive inheritance. Affected: yes.

Cambridge Genomics Laboratory, East Genomic Laboratory Hub, NHS Genomic Medicine Service
Classification: Uncertain significance for Cone-rod dystrophy. Last evaluated: 2020-08-12. Review status: criteria provided, single submitter. Criteria: ACGS Best Practice Guidelines for Variant Classification in Rare Disease 2020. Collection method: clinical testing. Allele origin: germline. Affected: yes. Observed: 1 variant allele.

Eurofins Ntd Llc (ga)
Classification: Uncertain significance. Last evaluated: 2014-08-13. Review status: criteria provided, single submitter. Criteria: EGL Classification Definitions 2015. Collection method: clinical testing. Allele origin: germline. Observed: 1 variant allele, 1 heterozygote.

Natera, Inc.
Classification: Uncertain significance for Retinitis pigmentosa type 25. Last evaluated: 2020-07-20. Review status: no assertion criteria provided. Collection method: clinical testing. Allele origin: germline. Not counted in ClinVar's aggregate classification.

Joint Genome Diagnostic Labs from Nijmegen and Maastricht, Radboudumc and MUMC+
Classification: Uncertain significance for Retinitis pigmentosa 25. Last evaluated: 2016-09-01. Review status: no assertion criteria provided. Collection method: clinical testing. Allele origin: inherited. Affected: yes. Observed: 1 variant allele. Not counted in ClinVar's aggregate classification.

Literature cited by the submitters: PubMed 30487145 (cited by Women's Health and Genetics/Laboratory Corporation of America, LabCorp and Ocular Genomics Institute, Massachusetts Eye and Ear); PubMed 20333770 (cited by 3 submitters); PubMed 21069908 (cited by 4 submitters); PubMed 32483926 (cited by Women's Health and Genetics/Laboratory Corporation of America, LabCorp); PubMed 34906470 (cited by Women's Health and Genetics/Laboratory Corporation of America, LabCorp); PubMed 37734845 (cited by Women's Health and Genetics/Laboratory Corporation of America, LabCorp); PubMed 26103963 (cited by Labcorp Genetics (formerly Invitae), Labcorp and Ocular Genomics Institute, Massachusetts Eye and Ear); PubMed 21519034 (cited by Ocular Genomics Institute, Massachusetts Eye and Ear and Eurofins Ntd Llc (ga)).